The following is an entry in ClinVar:

NM_000455.5(STK11):c.*200C>T

Gene: STK11 (serine/threonine kinase 11; plus strand). Cytogenetic location: 19p13.3.
Variant type: single nucleotide variant.
Coding change: c.*200C>T on transcript NM_000455.5 (MANE Select); 200 bases downstream of the stop codon, C replaced by T.
Molecular consequence: 3 prime UTR variant. On other transcripts: non-coding transcript variant (1).
Genome position (GRCh38, 1-based): chr19:1,227,776, C>T. VCF-style: chr19-1227776-C-T. GRCh37 (hg19) VCF-style: chr19-1227775-C-T.
Identifiers: ClinVar variation 4822127 (VCV004822127.4).

ClinVar aggregate classification (germline): Likely benign (1 of 4 stars; one submission).

gnomAD v4.1: 1 of 1,074,062 alleles (0.000093%); highest among the groups gnomAD compares: East Asian, 0.0047%; no homozygotes.

Submission:

CeGaT Center for Human Genetics Tuebingen
Classification: Likely benign. Last evaluated: 2026-02-01. Review status: criteria provided, single submitter. Criteria: CeGaT Center For Human Genetics Tuebingen Variant Classification Criteria Version 2. Collection method: clinical testing. Allele origin: germline. Affected: yes. Observed: 1 variant allele.
Comment: STK11: BP4, BP7